The following is an entry in ClinVar:

ClinVar aggregate classification (germline): Uncertain significance (1 of 4 stars; one submission).

Conditions:
Ataxia-telangiectasia syndrome (AT). Also called: Ataxia-telangiectasia, complementation group E; Ataxia telangiectasia (A-T); LOUIS-BAR SYNDROME; ATAXIA-TELANGIECTASIA, FRESNO VARIANT; AT, COMPLEMENTATION GROUP C; Ataxia-telangiectasia. Identifiers: Orphanet 100, MedGen C0004135, MONDO:0008840, OMIM 208900.

Submission:

Labcorp Genetics (formerly Invitae), Labcorp
Classification: Uncertain significance for Ataxia-telangiectasia syndrome. Last evaluated: 2019-04-04. Review status: criteria provided, single submitter. Criteria: Invitae Variant Classification Sherloc (09022015). Collection method: clinical testing. Allele origin: germline.
Comment: This variant has not been reported in the literature in individuals with ATM-related conditions. Algorithms developed to predict the effect of missense changes on protein structure and function are either unavailable or do not agree on the potential impact of this missense change (SIFT: "Tolerated"; PolyPhen-2: "Possibly Damaging"; Align-GVGD: "Class C0"). In summary, the available evidence is currently insufficient to determine the role of this variant in disease. Therefore, it has been classified as a Variant of Uncertain Significance. This sequence change replaces leucine with phenylalanine at codon 787 of the ATM protein (p.Leu787Phe). The leucine residue is moderately conserved and there is a small physicochemical difference between leucine and phenylalanine. This variant is not present in population databases (ExAC no frequency).

NM_000051.4(ATM):c.2361G>T (p.Leu787Phe)

Gene: ATM (ATM serine/threonine kinase; plus strand). Cytogenetic location: 11q22.3.
Variant type: single nucleotide variant.
Coding change: c.2361G>T on transcript NM_000051.4 (MANE Select); coding-DNA position 2361, G replaced by T.
Protein change: p.Leu787Phe; replaces leucine 787 with phenylalanine.
Molecular consequence: missense variant.
Genome position (GRCh38, 1-based): chr11:108,257,591, G>T. VCF-style: chr11-108257591-G-T. GRCh37 (hg19) VCF-style: chr11-108128318-G-T.
Other names: c.2361G>T, p.Leu787Phe (NM_001351834.2); short protein forms L787F.
Identifiers: ClinVar variation 945492 (VCV000945492.9), dbSNP rs2080584367, ClinGen allele CA382540324.
Genomic context (GRCh38, chr11:108,257,591, plus strand): 5'-AAATGAGGAATTCAGAATTGGTTCCTTGAGAAATATGATGCAGCTATGTACACGTTGCTT[G>T]AGCAACTGTACCAAGGTAAGATTTTCTTCTTCTTGTTTTGTTTTTTGAGATAGGATCTTT-3'
Protein context (NP_000042.3, residues 777-797): RNMMQLCTRC[Leu787Phe]SNCTKKSPNK